The following is an entry in ClinVar:

ClinVar aggregate classification (germline): Uncertain significance. Review status: criteria provided, multiple submitters, no conflicts (2 of 4 stars). 2 submissions from 2 submitters: Uncertain significance (2). Last evaluated 2025-06-09.

Conditions:
Neuropathy, hereditary sensory and autonomic, type 2A (HSAN2A). Also called: ACROOSTEOLYSIS, GIACCAI TYPE; ACROOSTEOLYSIS, NEUROGENIC; WNK1-Related HSAN2 (HSAN2A); MORVAN DISEASE; NEUROPATHY, CONGENITAL SENSORY; NEUROPATHY, HEREDITARY SENSORY RADICULAR, AUTOSOMAL RECESSIVE. Identifiers: Orphanet 970, MedGen C2752089, MONDO:0024309, OMIM 201300.
Generalized epilepsy with febrile seizures plus, type 7 (GEFSP7). Also called: GEFS+, TYPE 7. Identifiers: Orphanet 36387, MedGen C2751778, MONDO:0013470, OMIM 613863.

Allele frequency attached by ClinVar (database versions not stated): TOPMed 0.00001.
gnomAD v4.1: 8 of 1,586,128 alleles (0.0005%); highest among the groups gnomAD compares: African/African-American, 0.0013%; no homozygotes.

Submissions (2):

Labcorp Genetics (formerly Invitae), Labcorp
Classification: Uncertain significance for Neuropathy, hereditary sensory and autonomic, type 2A; Generalized epilepsy with febrile seizures plus, type 7. Last evaluated: 2025-06-09. Review status: criteria provided, single submitter. Criteria: Invitae Variant Classification Sherloc (09022015). Collection method: clinical testing. Allele origin: germline.
Comment: This sequence change replaces proline, which is neutral and non-polar, with arginine, which is basic and polar, at codon 701 of the SCN9A protein (p.Pro701Arg). The frequency data for this variant in the population databases is considered unreliable, as metrics indicate poor data quality at this position in the gnomAD database. This variant has not been reported in the literature in individuals affected with SCN9A-related conditions. ClinVar contains an entry for this variant (Variation ID: 2928432). Invitae Evidence Modeling of protein sequence and biophysical properties (such as structural, functional, and spatial information, amino acid conservation, physicochemical variation, residue mobility, and thermodynamic stability) indicates that this missense variant is not expected to disrupt SCN9A protein function with a negative predictive value of 95%. In summary, the available evidence is currently insufficient to determine the role of this variant in disease. Therefore, it has been classified as a Variant of Uncertain Significance.

Blueprint Genetics
Classification: Uncertain significance. Last evaluated: 2022-01-05. Review status: criteria provided, single submitter. Criteria: ACMG Guidelines, 2015. Collection method: clinical testing. Allele origin: germline.

NM_001365536.1(SCN9A):c.2135C>G (p.Pro712Arg)

Genes: SCN1A-AS1 (SCN1A and SCN9A antisense RNA 1; plus strand), SCN9A (sodium voltage-gated channel alpha subunit 9; minus strand). Cytogenetic location: 2q24.3.
Variant type: single nucleotide variant.
Coding change: c.2135C>G on transcript NM_001365536.1 (MANE Select); coding-DNA position 2135, C replaced by G.
Protein change: p.Pro712Arg; replaces proline 712 with arginine.
Molecular consequence: missense variant.
Genome position (GRCh38, 1-based): chr2:166,280,565, G>C on the plus strand (C>G on the coding strand, the complement: SCN9A is on the minus strand). VCF-style: chr2-166280565-G-C. GRCh37 (hg19) VCF-style: chr2-167137075-G-C.
Other names: c.2102C>G, p.Pro701Arg (NM_002977.4); short protein forms P712R, P701R.
Identifiers: ClinVar variation 2928432 (VCV002928432.4), dbSNP rs867106113, ClinGen allele CA59796701.